The following is an entry in ClinVar:

ClinVar aggregate classification (germline): Uncertain significance (1 of 4 stars; one submission).

Conditions:
Mitochondrial complex V (ATP synthase) deficiency, nuclear type 2. Also called: Nuclear-Encoded ATPase Deficiency, TMEM70-Related; ENCEPHALOCARDIOMYOPATHY, MITOCHONDRIAL, NEONATAL, DUE TO ATP SYNTHASE DEFICIENCY; MITOCHONDRIAL COMPLEX V (ATP SYNTHASE) DEFICIENCY, TMEM70 TYPE. Identifiers: Orphanet 1194, MedGen C3279699, MONDO:0013546, OMIM 614052.

Allele frequency attached by ClinVar (database versions not stated): TOPMed below 0.00001; ExAC 0.00001; gnomAD 0.00001; ESP Exome Variant Server 0.00008.
gnomAD v4.1: 2 of 1,614,026 alleles (0.00012%); highest among the groups gnomAD compares: African/African-American, 0.0027%; no homozygotes.

Submission:

Labcorp Genetics (formerly Invitae), Labcorp
Classification: Uncertain significance for Mitochondrial complex V (ATP synthase) deficiency, nuclear type 2. Last evaluated: 2022-02-13. Review status: criteria provided, single submitter. Criteria: Invitae Variant Classification Sherloc (09022015). Collection method: clinical testing. Allele origin: germline.
Comment: In summary, the available evidence is currently insufficient to determine the role of this variant in disease. Therefore, it has been classified as a Variant of Uncertain Significance. Algorithms developed to predict the effect of missense changes on protein structure and function are either unavailable or do not agree on the potential impact of this missense change (SIFT: "Deleterious"; PolyPhen-2: "Probably Damaging"; Align-GVGD: "Class C0"). This variant has not been reported in the literature in individuals affected with TMEM70-related conditions. This variant is present in population databases (rs141592371, gnomAD 0.008%). This sequence change replaces glycine, which is neutral and non-polar, with aspartic acid, which is acidic and polar, at codon 98 of the TMEM70 protein (p.Gly98Asp).

NM_017866.6(TMEM70):c.293G>A (p.Gly98Asp)

Gene: TMEM70 (transmembrane protein 70; plus strand). Cytogenetic location: 8q21.11.
Variant type: single nucleotide variant.
Coding change: c.293G>A on transcript NM_017866.6 (MANE Select); coding-DNA position 293, G replaced by A.
Protein change: p.Gly98Asp; replaces glycine 98 with aspartic acid.
Molecular consequence: missense variant. On other transcripts: non-coding transcript variant (1).
Genome position (GRCh38, 1-based): chr8:73,978,838, G>A. VCF-style: chr8-73978838-G-A. GRCh37 (hg19) VCF-style: chr8-74891073-G-A.
Other names: c.293G>A, p.Gly98Asp (NM_001040613.3); short protein forms G98D.
Identifiers: ClinVar variation 2097419 (VCV002097419.2), dbSNP rs141592371, ClinGen allele CA4783993.